The following is an entry in ClinVar:

ClinVar aggregate classification (germline): Uncertain significance (1 of 4 stars; one submission).

Conditions:
Mevalonic aciduria (MEVA). Identifiers: Orphanet 29, MedGen C1959626, MONDO:0012481, OMIM 610377.
Hyperimmunoglobulin D with periodic fever (HIDS). Also called: HYPERIMMUNOGLOBULINEMIA D AND PERIODIC FEVER SYNDROME; Hyperimmunoglobulinemia D; Hyperimmunoglobulinemia D with periodic fever. Identifiers: Orphanet 343, MedGen C0398691, MONDO:0009849, OMIM 260920.
Porokeratosis 3, disseminated superficial actinic type (POROK3). Also called: POROKERATOSIS, DISSEMINATED SUPERFICIAL ACTINIC, 1; POROKERATOSIS 3, MULTIPLE TYPES; POROKERATOSIS 3, MIBELLI TYPE. Identifiers: MedGen C1867981, MONDO:0008293, OMIM 175900.

gnomAD v4.1: 7 of 1,608,872 alleles (0.00044%); highest among the groups gnomAD compares: South Asian, 0.0056%; no homozygotes.

Submission:

Labcorp Genetics (formerly Invitae), Labcorp
Classification: Uncertain significance for Mevalonic aciduria; Hyperimmunoglobulin D with periodic fever; Porokeratosis 3, disseminated superficial actinic type. Last evaluated: 2025-10-14. Review status: criteria provided, single submitter. Criteria: Invitae Variant Classification Sherloc (09022015). Collection method: clinical testing. Allele origin: germline.
Comment: This sequence change replaces histidine, which is basic and polar, with tyrosine, which is neutral and polar, at codon 24 of the MVK protein (p.His24Tyr). This variant is present in population databases (rs768216146, gnomAD 0.007%). This variant has not been reported in the literature in individuals affected with MVK-related conditions. Invitae Evidence Modeling of protein sequence and biophysical properties (such as structural, functional, and spatial information, amino acid conservation, physicochemical variation, residue mobility, and thermodynamic stability) has been performed for this missense variant. However, the output from this modeling did not meet the statistical confidence thresholds required to predict the impact of this variant on MVK protein function. In summary, the available evidence is currently insufficient to determine the role of this variant in disease. Therefore, it has been classified as a Variant of Uncertain Significance.

NM_000431.4(MVK):c.70C>T (p.His24Tyr)

Gene: MVK (mevalonate kinase; plus strand). Cytogenetic location: 12q24.11.
Variant type: single nucleotide variant.
Coding change: c.70C>T on transcript NM_000431.4 (MANE Select); coding-DNA position 70, C replaced by T.
Protein change: p.His24Tyr; replaces histidine 24 with tyrosine.
Molecular consequence: missense variant. On other transcripts: non-coding transcript variant (4), intron variant (1).
Genome position (GRCh38, 1-based): chr12:109,574,892, C>T. VCF-style: chr12-109574892-C-T. GRCh37 (hg19) VCF-style: chr12-110012697-C-T.
Other names: c.70C>T, p.His24Tyr (NM_001114185.3, NM_001301182.2, NM_001414511.1 and 3 more transcripts); c.-505+1019C>T (NM_001414515.1); short protein forms H24Y.
Identifiers: ClinVar variation 4790822 (VCV004790822.1).